The following is an entry in ClinVar:

ClinVar aggregate classification (germline): Uncertain significance (1 of 4 stars; one submission).

Submission:

Labcorp Genetics (formerly Invitae), Labcorp
Classification: Uncertain significance. Last evaluated: 2022-02-22. Review status: criteria provided, single submitter. Criteria: Invitae Variant Classification Sherloc (09022015). Collection method: clinical testing. Allele origin: germline.
Comment: This variant has not been reported in the literature in individuals affected with PRMT7-related conditions. This variant is not present in population databases (gnomAD no frequency). This sequence change replaces arginine, which is basic and polar, with leucine, which is neutral and non-polar, at codon 376 of the PRMT7 protein (p.Arg376Leu). In summary, the available evidence is currently insufficient to determine the role of this variant in disease. Therefore, it has been classified as a Variant of Uncertain Significance. Algorithms developed to predict the effect of missense changes on protein structure and function (SIFT, PolyPhen-2, Align-GVGD) all suggest that this variant is likely to be disruptive.

NM_019023.5(PRMT7):c.1127G>T (p.Arg376Leu)

Gene: PRMT7 (protein arginine methyltransferase 7; plus strand). Cytogenetic location: 16q22.1.
Variant type: single nucleotide variant.
Coding change: c.1127G>T on transcript NM_019023.5 (MANE Select); coding-DNA position 1127, G replaced by T.
Protein change: p.Arg376Leu; replaces arginine 376 with leucine.
Molecular consequence: missense variant. On other transcripts: non-coding transcript variant (12).
Genome position (GRCh38, 1-based): chr16:68,346,216, G>T. VCF-style: chr16-68346216-G-T. GRCh37 (hg19) VCF-style: chr16-68380119-G-T.
Other names: c.977G>T, p.Arg326Leu (NM_001184824.4); c.1127G>T, p.Arg376Leu (NM_001290018.2, NM_001351143.3, NM_001351144.3 and 1 more transcripts); c.920G>T, p.Arg307Leu (NM_001378020.1); c.890G>T, p.Arg297Leu (NM_001378021.1, NM_001378022.1, NM_001378023.1); short protein forms R307L, R326L, R376L, R297L.
Identifiers: ClinVar variation 1395354 (VCV001395354.6), dbSNP rs934814700, ClinGen allele CA396436473.